The following is an entry in ClinVar:

NM_000057.4(BLM):c.1220+5C>G

Gene: BLM (BLM RecQ like helicase; plus strand). Cytogenetic location: 15q26.1.
Variant type: single nucleotide variant.
Coding change: c.1220+5C>G on transcript NM_000057.4 (MANE Select); 5 bases into the intron after coding-DNA position 1220, C replaced by G.
Molecular consequence: intron variant.
Genome position (GRCh38, 1-based): chr15:90,760,284, C>G. VCF-style: chr15-90760284-C-G. GRCh37 (hg19) VCF-style: chr15-91303514-C-G.
Other names: c.1220+5C>G (NM_000057.2, NM_001287246.2, NM_001287247.2); c.95+5C>G (NM_001287248.2).
Identifiers: ClinVar variation 644634 (VCV000644634.15), dbSNP rs1596229075, ClinGen allele CA915946149.

ClinVar aggregate classification (germline): Conflicting classifications of pathogenicity. Review status: criteria provided, conflicting classifications (1 of 4 stars). 3 submissions from 3 submitters: Uncertain significance (1); Likely benign (1). 1 of the submissions does not count toward it. Last evaluated 2025-03-11.

Conditions:
Bloom syndrome (BLM). Also called: Bloom-Torre-Machacek syndrome. Identifiers: Orphanet 125, MedGen C0005859, MONDO:0008876, OMIM 210900.
Hereditary cancer-predisposing syndrome. Also called: Neoplastic Syndromes, Hereditary; Tumor predisposition; Hereditary neoplastic syndrome; Hereditary Cancer Syndrome. Identifiers: Orphanet 140162, MedGen C0027672, MeSH D009386, MONDO:0015356.

Allele frequency attached by ClinVar (database versions not stated): gnomAD 0.00001; gnomAD exomes 0.00001.
gnomAD v4.1: 10 of 1,613,842 alleles (0.00062%); highest among the groups gnomAD compares: African/African-American, 0.0013%; no homozygotes.

Submissions (3):

Labcorp Genetics (formerly Invitae), Labcorp
Classification: Likely benign for Bloom syndrome. Last evaluated: 2025-03-11. Review status: criteria provided, single submitter. Criteria: Invitae Variant Classification Sherloc (09022015). Collection method: clinical testing. Allele origin: germline.

Ambry Genetics
Classification: Uncertain significance for Hereditary cancer-predisposing syndrome. Last evaluated: 2024-10-02. Review status: criteria provided, single submitter. Criteria: Ambry Variant Classification Scheme 2023. Collection method: clinical testing. Allele origin: germline.
Comment: The c.1220+5C>G intronic variant results from a C to G substitution 5 nucleotides after coding exon 5 in the BLM gene. This nucleotide position is well conserved in available vertebrate species. In silico splice site analysis predicts that this alteration will not have any significant effect on splicing. Since supporting evidence is limited at this time, the clinical significance of this alteration remains unclear.

Natera, Inc.
Classification: Uncertain significance for Bloom syndrome. Last evaluated: 2020-09-16. Review status: no assertion criteria provided. Collection method: clinical testing. Allele origin: germline. Not counted in ClinVar's aggregate classification.